The following is an entry in ClinVar:

NM_201384.3(PLEC):c.9694G>A (p.Glu3232Lys)

Gene: PLEC (plectin; minus strand). Cytogenetic location: 8q24.3.
Variant type: single nucleotide variant.
Coding change: c.9694G>A on transcript NM_201384.3 (MANE Select); coding-DNA position 9694, G replaced by A.
Protein change: p.Glu3232Lys; replaces glutamic acid 3232 with lysine.
Molecular consequence: missense variant.
Genome position (GRCh38, 1-based): chr8:143,920,127, C>T on the plus strand (G>A on the coding strand, the complement: PLEC is on the minus strand). VCF-style: chr8-143920127-C-T. GRCh37 (hg19) VCF-style: chr8-144994295-C-T.
Other names: c.9775G>A, p.Glu3259Lys (NM_000445.5); c.9652G>A, p.Glu3218Lys (NM_201378.4); c.9628G>A, p.Glu3210Lys (NM_201379.3); c.10105G>A, p.Glu3369Lys (NM_201380.4); c.9598G>A, p.Glu3200Lys (NM_201381.3); c.9694G>A, p.Glu3232Lys (NM_201382.4); c.9706G>A, p.Glu3236Lys (NM_201383.3); short protein forms E3232K, E3218K, E3259K, E3369K, E3236K, E3200K, E3210K.
Identifiers: ClinVar variation 668417 (VCV000668417.8), dbSNP rs1030581337, ClinGen allele CA187609780.

ClinVar aggregate classification (germline): Conflicting classifications of pathogenicity. Review status: criteria provided, conflicting classifications (1 of 4 stars). 2 submissions from 2 submitters: Uncertain significance (1); Likely benign (1). Last evaluated 2023-09-22.

Conditions:
Epidermolysis bullosa simplex, Ogna type (EBS5A). Also called: Pidermolysis bullosa simplex 5A, Ogna type; EPIDERMOLYSIS BULLOSA SIMPLEX 5A, OGNA TYPE. Identifiers: Orphanet 79401, MedGen C0432317, MONDO:0007555, OMIM 131950.
Epidermolysis bullosa simplex 5C, with pyloric atresia (EBS5C). Also called: PLEC1-Related Epidermolysis Bullosa with Pyloric Atresia; PLEC-Related Epidermolysis Bullosa with Pyloric Atresia; Epidermolysis bullosa simplex with pyloric atresia. Identifiers: Orphanet 158684, MedGen C2677349, MONDO:0012807, OMIM 612138.
Epidermolysis bullosa simplex 5B, with muscular dystrophy (EBS5B). Also called: Epidermolysis bullosa simplex with muscular dystrophy; EPIDERMOLYSIS BULLOSA SIMPLEX AND LIMB-GIRDLE MUSCULAR DYSTROPHY. Identifiers: Orphanet 257, MedGen C2931072, MONDO:0009181, OMIM 226670.
Autosomal recessive limb-girdle muscular dystrophy type 2Q (LGMDR17). Also called: MUSCULAR DYSTROPHY, LIMB-GIRDLE, AUTOSOMAL RECESSIVE 17. Identifiers: Orphanet 254361, MedGen C3150989, MONDO:0013390, OMIM 613723.
Epidermolysis bullosa simplex with nail dystrophy (EBS5D). Identifiers: MedGen C4225309, MONDO:0014661, OMIM 616487.

Allele frequency attached by ClinVar (database versions not stated): gnomAD exomes below 0.00001; gnomAD 0.00001; TOPMed 0.00001.
gnomAD v4.1: 8 of 1,612,792 alleles (0.0005%); highest among the groups gnomAD compares: Admixed American, 0.0033%; no homozygotes.

Submissions (2):

Labcorp Genetics (formerly Invitae), Labcorp
Classification: Uncertain significance for Autosomal recessive limb-girdle muscular dystrophy type 2Q; Epidermolysis bullosa simplex, Ogna type; Epidermolysis bullosa simplex with nail dystrophy; Epidermolysis bullosa simplex 5C, with pyloric atresia; Epidermolysis bullosa simplex 5B, with muscular dystrophy. Last evaluated: 2023-09-22. Review status: criteria provided, single submitter. Criteria: Invitae Variant Classification Sherloc (09022015). Collection method: clinical testing. Allele origin: germline.
Comment: This variant has not been reported in the literature in individuals affected with PLEC-related conditions. This sequence change replaces glutamic acid, which is acidic and polar, with lysine, which is basic and polar, at codon 3259 of the PLEC protein (p.Glu3259Lys). This variant is present in population databases (no rsID available, gnomAD 0.003%). ClinVar contains an entry for this variant (Variation ID: 668417). An algorithm developed to predict the effect of missense changes on protein structure and function (PolyPhen-2) suggests that this variant is likely to be disruptive. In summary, the available evidence is currently insufficient to determine the role of this variant in disease. Therefore, it has been classified as a Variant of Uncertain Significance.

GeneDx
Classification: Likely benign. Last evaluated: 2018-06-06. Review status: criteria provided, single submitter. Criteria: GeneDx Variant Classification (06012015). Collection method: clinical testing. Allele origin: germline. Affected: yes.
Comment: This variant is considered likely benign or benign based on one or more of the following criteria: it is a conservative change, it occurs at a poorly conserved position in the protein, it is predicted to be benign by multiple in silico algorithms, and/or has population frequency not consistent with disease.